The following is an entry in ClinVar:

ClinVar aggregate classification (germline): Pathogenic (1 of 4 stars; one submission).

Submission:

Labcorp Genetics (formerly Invitae), Labcorp
Classification: Pathogenic. Last evaluated: 2018-07-17. Review status: criteria provided, single submitter. Criteria: Invitae Variant Classification Sherloc (09022015). Collection method: clinical testing. Allele origin: germline.
Comment: For these reasons, this variant has been classified as Pathogenic. Loss-of-function variants in USP9X are known to be pathogenic (PMID: 26833328, 28377321). This variant has not been reported in the literature in individuals with USP9X-related disease. This variant is an out-of-frame deletion of the genomic region encompassing exons 16 and 17 of the USP9X gene. This is expected to create a premature translational stop signal and result in an absent or disrupted protein product.

Literature cited by the submitters: PubMed 26833328; PubMed 28377321.

NC_000023.11:g.(?_41165872)_(41167577_?)del

Gene: USP9X (ubiquitin specific peptidase 9 X-linked; plus strand). Cytogenetic location: Xp11.4.
Variant type: Deletion.
Identifiers: ClinVar variation 665048 (VCV000665048.5).